The following is an entry in ClinVar:

ClinVar aggregate classification (germline): Pathogenic (1 of 4 stars; one submission).

Submission:

Labcorp Genetics (formerly Invitae), Labcorp
Classification: Pathogenic. Last evaluated: 2022-06-23. Review status: criteria provided, single submitter. Criteria: Invitae Variant Classification Sherloc (09022015). Collection method: clinical testing. Allele origin: germline.
Comment: For these reasons, this variant has been classified as Pathogenic. Algorithms developed to predict the effect of sequence changes on RNA splicing suggest that this variant may disrupt the consensus splice site. This variant has not been reported in the literature in individuals affected with FAM161A-related conditions. This variant is not present in population databases (gnomAD no frequency). This sequence change creates a premature translational stop signal (p.Met552Ilefs*8) in the FAM161A gene. It is expected to result in an absent or disrupted protein product. Loss-of-function variants in FAM161A are known to be pathogenic (PMID: 20705278, 20705279, 24651477).

Literature cited by the submitters: PubMed 20705278; PubMed 20705279; PubMed 24651477.

NM_001201543.2(FAM161A):c.1656del (p.Met552fs)

Gene: FAM161A (FAM161 centrosomal protein A; minus strand). Cytogenetic location: 2p15.
Variant type: Deletion.
Coding change: c.1656del on transcript NM_001201543.2 (MANE Select); coding-DNA position 1656, one base deleted (G; older notation c.1656delG).
Protein change: p.Met552fs; shifts the reading frame from methionine 552.
Molecular consequence: frameshift variant. On other transcripts: intron variant (1).
Genome position (GRCh38, 1-based): chr2:61,838,633, C deleted on the plus strand (G on the coding strand, the reverse complement: FAM161A is on the minus strand). VCF-style (leftmost placement, unchanged base first): chr2-61838632-TC-T. GRCh37 (hg19) VCF-style: chr2-62065767-TC-T.
Other names: c.1583+788del (NM_032180.3); short protein forms M552fs.
Identifiers: ClinVar variation 2009781 (VCV002009781.4), dbSNP rs2466018180, ClinGen allele CA2580067609.
Genomic context (GRCh38, chr2:61,838,632, plus strand): 5'-CTAAACTTTGATGTGAGTCATAAGCCTTAGCCCGGGTTGTCAGGAGTTTCTGCAATTCTT[TC>T]ATTCTTTGCTTCTGTTTAGTTAGGATCCGATTTCTCTCTTCTTCCAACATTTTCTTTTCC-3'